The following is an entry in ClinVar:

NM_001105206.3(LAMA4):c.107T>C (p.Ile36Thr)

Genes: LAMA4 (laminin subunit alpha 4; minus strand), LAMA4-AS1 (LAMA4 antisense RNA 1; plus strand). Cytogenetic location: 6q21.
Variant type: single nucleotide variant.
Coding change: c.107T>C on transcript NM_001105206.3 (MANE Select); coding-DNA position 107, T replaced by C.
Protein change: p.Ile36Thr; replaces isoleucine 36 with threonine.
Molecular consequence: missense variant.
Genome position (GRCh38, 1-based): chr6:112,254,044, A>G on the plus strand (T>C on the coding strand, the complement: LAMA4 is on the minus strand). VCF-style: chr6-112254044-A-G. GRCh37 (hg19) VCF-style: chr6-112575246-A-G.
Other names: c.107T>C, p.Ile36Thr (NM_001105207.3, NM_001105208.3, NM_001105209.3 and 1 more transcripts); short protein forms I36T.
Identifiers: ClinVar variation 864245 (VCV000864245.11), dbSNP rs70940809, ClinGen allele CA3966335.
Genomic context (GRCh38, chr6:112,254,044, plus strand): 5'-GCCACGCGGGGTTCGCTCGTCTCAGGCGGGTCTTGCCTGCCAACCGCTGAGCTCCCTTCA[A>G]TGTCAAAAGGAAAAGCGTTGTCGTCCCCGGACGCGGCGCGGGAGCAGGCAGCGCTCCAGA-3'
Protein context (NP_001098676.2, residues 26-46): SGDDNAFPFD[Ile36Thr]EGSSAVGRQD

ClinVar aggregate classification (germline): Uncertain significance. Review status: criteria provided, multiple submitters, no conflicts (2 of 4 stars). 2 submissions from 2 submitters: Uncertain significance (2). Last evaluated 2023-12-15.

Conditions:
Cardiovascular phenotype. Identifiers: MedGen CN230736.
Dilated cardiomyopathy 1JJ (CMD1JJ). Identifiers: Orphanet 154, MedGen C3808935, MONDO:0014095, OMIM 615235.

Allele frequency attached by ClinVar (database versions not stated): gnomAD 0.00003; TOPMed 0.00003; gnomAD exomes 0.00004; ExAC 0.00009.
gnomAD v4.1: 16 of 1,601,784 alleles (0.001%); highest among the groups gnomAD compares: East Asian, 0.027%; no homozygotes.

Submissions (2):

Ambry Genetics
Classification: Uncertain significance for Cardiovascular phenotype. Last evaluated: 2023-12-15. Review status: criteria provided, single submitter. Criteria: Ambry Variant Classification Scheme 2023. Collection method: clinical testing. Allele origin: germline.

Labcorp Genetics (formerly Invitae), Labcorp
Classification: Uncertain significance for Dilated cardiomyopathy 1JJ. Last evaluated: 2022-06-20. Review status: criteria provided, single submitter. Criteria: Invitae Variant Classification Sherloc (09022015). Collection method: clinical testing. Allele origin: germline.
Comment: In summary, the available evidence is currently insufficient to determine the role of this variant in disease. Therefore, it has been classified as a Variant of Uncertain Significance. Algorithms developed to predict the effect of missense changes on protein structure and function are either unavailable or do not agree on the potential impact of this missense change (SIFT: "Deleterious"; PolyPhen-2: "Benign"; Align-GVGD: "Class C0"). ClinVar contains an entry for this variant (Variation ID: 864245). This variant has not been reported in the literature in individuals affected with LAMA4-related conditions. This variant is present in population databases (rs70940809, gnomAD 0.07%), and has an allele count higher than expected for a pathogenic variant. This sequence change replaces isoleucine, which is neutral and non-polar, with threonine, which is neutral and polar, at codon 36 of the LAMA4 protein (p.Ile36Thr).